The following is an entry in ClinVar:

NM_001077418.3(TMEM231):c.771-4A>C

Gene: TMEM231 (transmembrane protein 231; minus strand). Cytogenetic location: 16q23.1.
Variant type: single nucleotide variant.
Coding change: c.771-4A>C on transcript NM_001077418.3 (MANE Select); 4 bases into the intron before coding-DNA position 771, A replaced by C.
Molecular consequence: intron variant.
Genome position (GRCh38, 1-based): chr16:75,540,178, T>G on the plus strand (A>C on the coding strand, the complement: TMEM231 is on the minus strand). VCF-style: chr16-75540178-T-G. GRCh37 (hg19) VCF-style: chr16-75574076-T-G.
Other names: c.930-4A>C (NM_001077416.2).
Identifiers: ClinVar variation 750444 (VCV000750444.11), dbSNP rs199768195, ClinGen allele CA8176028.

ClinVar aggregate classification (germline): Likely benign. Review status: criteria provided, single submitter (1 of 4 stars). 2 submissions from 2 submitters: Likely benign (1). 1 of the submissions does not count toward it. Last evaluated 2022-05-27.

Conditions:
TMEM231-related disorder. Also called: TMEM231-related condition.
Joubert syndrome 20 (JBTS20). Identifiers: Orphanet 475, MedGen C3554235, MONDO:0013994, OMIM 614970.
Meckel syndrome, type 11 (MKS11). Identifiers: Orphanet 564, MedGen C3809352, MONDO:0014164, OMIM 615397.

Allele frequency attached by ClinVar (database versions not stated): gnomAD 0.00003.
gnomAD v4.1: 20 of 1,611,086 alleles (0.0012%); highest among the groups gnomAD compares: Middle Eastern, 0.016%; no homozygotes.

Submissions (2):

Labcorp Genetics (formerly Invitae), Labcorp
Classification: Likely benign for Joubert syndrome 20; Meckel syndrome, type 11. Last evaluated: 2022-05-27. Review status: criteria provided, single submitter. Criteria: Invitae Variant Classification Sherloc (09022015). Collection method: clinical testing. Allele origin: germline.

PreventionGenetics, part of Exact Sciences
Classification: Likely benign for TMEM231-related condition. Last evaluated: 2022-01-26. Review status: no assertion criteria provided. Collection method: clinical testing. Allele origin: germline. Not counted in ClinVar's aggregate classification.
Comment: This variant is classified as likely benign based on ACMG/AMP sequence variant interpretation guidelines (Richards et al. 2015 PMID: 25741868, with internal and published modifications).